The following is an entry in ClinVar:

NM_152490.5(B3GALNT2):c.193G>T (p.Glu65Ter)

Gene: B3GALNT2 (beta-1,3-N-acetylgalactosaminyltransferase 2; minus strand). Cytogenetic location: 1q42.3.
Variant type: single nucleotide variant.
Coding change: c.193G>T on transcript NM_152490.5 (MANE Select); coding-DNA position 193, G replaced by T.
Protein change: p.Glu65Ter; replaces glutamic acid 65 with a stop codon.
Molecular consequence: nonsense.
Genome position (GRCh38, 1-based): chr1:235,494,748, C>A on the plus strand (G>T on the coding strand, the complement: B3GALNT2 is on the minus strand). VCF-style: chr1-235494748-C-A. GRCh37 (hg19) VCF-style: chr1-235658058-C-A.
Other names: c.316G>T, p.Glu106Ter (NM_001277155.3); short protein forms E106*, E65*.
Identifiers: ClinVar variation 3664412 (VCV003664412.2).

ClinVar aggregate classification (germline): Pathogenic (1 of 4 stars; one submission).

Conditions:
Muscular dystrophy-dystroglycanopathy (congenital with brain and eye anomalies), type a, 11 (MDDGA11). Also called: WALKER-WARBURG SYNDROME OR MUSCLE-EYE-BRAIN DISEASE, B3GALNT2-RELATED; Congenital muscular dystrophy-dystroglycanopathy with brain and eye anomalies, type A11; Muscular dystrophy-dystroglycanopathy (congenital with brain and eye anomalies, type A, 11. Identifiers: Orphanet 588, Orphanet 899, MedGen C3554638, MONDO:0014071, OMIM 615181.

gnomAD v4.1: 1 of 1,612,786 alleles (0.000062%); highest among the groups gnomAD compares: Non-Finnish European, 0.000085%; no homozygotes.

Submission:

Labcorp Genetics (formerly Invitae), Labcorp
Classification: Pathogenic for Muscular dystrophy-dystroglycanopathy (congenital with brain and eye anomalies), type a, 11. Last evaluated: 2024-09-03. Review status: criteria provided, single submitter. Criteria: Invitae Variant Classification Sherloc (09022015). Collection method: clinical testing. Allele origin: germline.
Comment: This sequence change creates a premature translational stop signal (p.Glu65*) in the B3GALNT2 gene. It is expected to result in an absent or disrupted protein product. Loss-of-function variants in B3GALNT2 are known to be pathogenic (PMID: 23453667). This variant is not present in population databases (gnomAD no frequency). This premature translational stop signal has been observed in individual(s) with B3GALNT2-related conditions (PMID: 24084573). For these reasons, this variant has been classified as Pathogenic.

Literature cited by the submitters: PubMed 23453667; PubMed 24084573.